The following is an entry in ClinVar:

NM_001848.3(COL6A1):c.858+1G>A

Gene: COL6A1 (collagen type VI alpha 1 chain; plus strand). Cytogenetic location: 21q22.3.
Variant type: single nucleotide variant.
Coding change: c.858+1G>A on transcript NM_001848.3 (MANE Select); the canonical splice donor site of the intron after coding-DNA position 858, G replaced by A.
Molecular consequence: splice donor variant.
Genome position (GRCh38, 1-based): chr21:45,989,138, G>A. VCF-style: chr21-45989138-G-A. GRCh37 (hg19) VCF-style: chr21-47409052-G-A.
Identifiers: ClinVar variation 4780628 (VCV004780628.1).

ClinVar aggregate classification (germline): Likely pathogenic (1 of 4 stars; one submission).

Conditions:
Bethlem myopathy 1A. Also called: Bethlem myopathy 1; Bethlem Muscular Dystrophy; MYOPATHY, BENIGN CONGENITAL, WITH CONTRACTURES. Identifiers: Orphanet 610, MedGen CN029274, MONDO:0024530, OMIM 158810.

gnomAD v4.1: 7 of 1,605,996 alleles (0.00044%); highest among the groups gnomAD compares: Non-Finnish European, 0.00059%; no homozygotes.

Submission:

Labcorp Genetics (formerly Invitae), Labcorp
Classification: Likely pathogenic for Bethlem myopathy 1A. Last evaluated: 2025-11-01. Review status: criteria provided, single submitter. Criteria: Invitae Variant Classification Sherloc (09022015). Collection method: clinical testing. Allele origin: germline.
Comment: This sequence change affects a donor splice site in intron 9 of the COL6A1 gene. It is expected to disrupt RNA splicing. Variants that disrupt the donor or acceptor splice site typically lead to a loss of protein function (PMID: 16199547), and loss-of-function variants in COL6A1 are known to be disease-causing for autosomal recessive COL6A1-related conditions (PMID: 21280092, 20976770). However, certain variants affecting donor or acceptor splice sites in the triple helical domain of COL6A1 are expected to result in in-frame exon skipping and have been reported to cause autosomal dominant COL6A1-related conditions (PMID: 18366090). This variant is not present in population databases (gnomAD no frequency). This variant has not been reported in the literature in individuals affected with COL6A1-related conditions. Algorithms developed to predict the effect of sequence changes on RNA splicing suggest that this variant may disrupt the consensus splice site. In summary, the currently available evidence indicates that the variant is pathogenic, but additional data are needed to prove that conclusively. Therefore, this variant has been classified as Likely Pathogenic.

Literature cited by the submitters: PubMed 16199547; PubMed 21280092; PubMed 20976770; PubMed 18366090.